The following is an entry in ClinVar:

ClinVar aggregate classification (germline): Conflicting classifications of pathogenicity. Review status: criteria provided, conflicting classifications (1 of 4 stars). 2 submissions from 2 submitters: Uncertain significance (1); Likely benign (1). Last evaluated 2025-01-10.

Allele frequency attached by ClinVar (database versions not stated): gnomAD exomes 0.00001 and 0.00002; ExAC 0.00002; gnomAD 0.00006 and 0.00007; TOPMed 0.00006.
gnomAD v4.1: 18 of 1,613,642 alleles (0.0011%); highest among the groups gnomAD compares: African/African-American, 0.015%; no homozygotes.

Submissions (2):

Labcorp Genetics (formerly Invitae), Labcorp
Classification: Uncertain significance. Last evaluated: 2025-01-10. Review status: criteria provided, single submitter. Criteria: Invitae Variant Classification Sherloc (09022015). Collection method: clinical testing. Allele origin: germline.
Comment: This sequence change falls in intron 10 of the ADAM9 gene. It does not directly change the encoded amino acid sequence of the ADAM9 protein. It affects a nucleotide within the consensus splice site. This variant is present in population databases (rs769848349, gnomAD 0.01%). This variant has not been reported in the literature in individuals affected with ADAM9-related conditions. ClinVar contains an entry for this variant (Variation ID: 1510783). Variants that disrupt the consensus splice site are a relatively common cause of aberrant splicing (PMID: 17576681, 9536098). Algorithms developed to predict the effect of sequence changes on RNA splicing suggest that this variant is not likely to affect RNA splicing. In summary, the available evidence is currently insufficient to determine the role of this variant in disease. Therefore, it has been classified as a Variant of Uncertain Significance.

Blueprint Genetics
Classification: Likely benign. Last evaluated: 2019-11-06. Review status: criteria provided, single submitter. Criteria: ACMG Guidelines, 2015. Collection method: clinical testing. Allele origin: germline.

Literature cited by the submitters: PubMed 17576681 (cited by Labcorp Genetics (formerly Invitae), Labcorp); PubMed 9536098 (cited by Labcorp Genetics (formerly Invitae), Labcorp).

NM_003816.3(ADAM9):c.996+4C>T

Gene: ADAM9 (ADAM metallopeptidase domain 9; plus strand). Cytogenetic location: 8p11.22.
Variant type: single nucleotide variant.
Coding change: c.996+4C>T on transcript NM_003816.3 (MANE Select); 4 bases into the intron after coding-DNA position 996, C replaced by T.
Molecular consequence: intron variant.
Genome position (GRCh38, 1-based): chr8:39,025,888, C>T. VCF-style: chr8-39025888-C-T. GRCh37 (hg19) VCF-style: chr8-38883407-C-T.
Identifiers: ClinVar variation 1510783 (VCV001510783.5), dbSNP rs769848349, ClinGen allele CA4721494.
Genomic context (GRCh38, chr8:39,025,888, plus strand): 5'-GGAATGGCATTTGTGGGAACAGTGTGTTCAAGGAGCCACGCAGGCGGGATTAATGTGGTA[C>T]GTTGTTCTTGATGTTTAACTTTGGATGTTTGCACTGGGACAATATCAAGCATTTATTGAC-3'